The following is an entry in ClinVar:

NM_004369.4(COL6A3):c.7123G>C (p.Asp2375His)

Gene: COL6A3 (collagen type VI alpha 3 chain; minus strand). Cytogenetic location: 2q37.3.
Variant type: single nucleotide variant.
Coding change: c.7123G>C on transcript NM_004369.4 (MANE Select); coding-DNA position 7123, G replaced by C.
Protein change: p.Asp2375His; replaces aspartic acid 2375 with histidine.
Molecular consequence: missense variant.
Genome position (GRCh38, 1-based): chr2:237,345,183, C>G on the plus strand (G>C on the coding strand, the complement: COL6A3 is on the minus strand). VCF-style: chr2-237345183-C-G. GRCh37 (hg19) VCF-style: chr2-238253826-C-G.
Other names: c.5302G>C, p.Asp1768His (NM_057166.5); c.6505G>C, p.Asp2169His (NM_057167.4); short protein forms D2169H, D2375H, D1768H.
Identifiers: ClinVar variation 2098581 (VCV002098581.4), dbSNP rs778371231, ClinGen allele CA351205033.

ClinVar aggregate classification (germline): Uncertain significance (1 of 4 stars; one submission).

Conditions:
Bethlem myopathy 1A. Also called: MYOPATHY, BENIGN CONGENITAL, WITH CONTRACTURES; Bethlem myopathy 1; Bethlem Muscular Dystrophy. Identifiers: Orphanet 610, MedGen CN029274, MONDO:0024530, OMIM 158810.

Submission:

Labcorp Genetics (formerly Invitae), Labcorp
Classification: Uncertain significance for Bethlem myopathy 1A. Last evaluated: 2025-01-24. Review status: criteria provided, single submitter. Criteria: Invitae Variant Classification Sherloc (09022015). Collection method: clinical testing. Allele origin: germline.
Comment: This sequence change replaces aspartic acid, which is acidic and polar, with histidine, which is basic and polar, at codon 2375 of the COL6A3 protein (p.Asp2375His). This variant is not present in population databases (gnomAD no frequency). This variant has not been reported in the literature in individuals affected with COL6A3-related conditions. ClinVar contains an entry for this variant (Variation ID: 2098581). Invitae Evidence Modeling of protein sequence and biophysical properties (such as structural, functional, and spatial information, amino acid conservation, physicochemical variation, residue mobility, and thermodynamic stability) indicates that this missense variant is expected to disrupt COL6A3 protein function with a positive predictive value of 80%. In summary, the available evidence is currently insufficient to determine the role of this variant in disease. Therefore, it has been classified as a Variant of Uncertain Significance.